The following is an entry in ClinVar:

ClinVar aggregate classification (germline): Likely pathogenic (1 of 4 stars; one submission).

gnomAD v4.1: 1 of 1,614,130 alleles (0.000062%); highest among the groups gnomAD compares: Admixed American, 0.0017%; no homozygotes.

Submission:

Labcorp Genetics (formerly Invitae), Labcorp
Classification: Likely pathogenic. Last evaluated: 2021-12-11. Review status: criteria provided, single submitter. Criteria: Invitae Variant Classification Sherloc (09022015). Collection method: clinical testing. Allele origin: germline.
Comment: In summary, the currently available evidence indicates that the variant is pathogenic, but additional data are needed to prove that conclusively. Therefore, this variant has been classified as Likely Pathogenic. Algorithms developed to predict the effect of sequence changes on RNA splicing suggest that this variant may disrupt the consensus splice site. This sequence change affects a donor splice site in intron 74 of the LRP2 gene. It is expected to disrupt RNA splicing. Variants that disrupt the donor or acceptor splice site typically lead to a loss of protein function (PMID: 16199547), and loss-of-function variants in LRP2 are known to be pathogenic (PMID: 17632512, 25682901). This variant is not present in population databases (gnomAD no frequency). This variant has not been reported in the literature in individuals affected with LRP2-related conditions.

Literature cited by the submitters: PubMed 16199547; PubMed 17632512; PubMed 25682901.

NM_004525.3(LRP2):c.13388+2T>C

Gene: LRP2 (LDL receptor related protein 2; minus strand). Cytogenetic location: 2q31.1.
Variant type: single nucleotide variant.
Coding change: c.13388+2T>C on transcript NM_004525.3 (MANE Select); the canonical splice donor site of the intron after coding-DNA position 13388, T replaced by C.
Molecular consequence: splice donor variant.
Genome position (GRCh38, 1-based): chr2:169,139,249, A>G on the plus strand (T>C on the coding strand, the complement: LRP2 is on the minus strand). VCF-style: chr2-169139249-A-G. GRCh37 (hg19) VCF-style: chr2-169995759-A-G.
Identifiers: ClinVar variation 1496150 (VCV001496150.6), dbSNP rs2105337522, ClinGen allele CA349155396.